The following is an entry in ClinVar:

ClinVar aggregate classification (germline): Uncertain significance. Review status: criteria provided, multiple submitters, no conflicts (2 of 4 stars). 3 submissions from 3 submitters: Uncertain significance (3). Last evaluated 2024-07-02.

Conditions:
Inborn genetic diseases. Identifiers: MedGen C0950123, MeSH D030342.

Allele frequency attached by ClinVar (database versions not stated): gnomAD exomes 0.00003; gnomAD 0.00005; TOPMed 0.00005.

Submissions (3):

Labcorp Genetics (formerly Invitae), Labcorp
Classification: Uncertain significance. Last evaluated: 2024-07-02. Review status: criteria provided, single submitter. Criteria: Invitae Variant Classification Sherloc (09022015). Collection method: clinical testing. Allele origin: germline.
Comment: This sequence change replaces glycine, which is neutral and non-polar, with serine, which is neutral and polar, at codon 274 of the CANT1 protein (p.Gly274Ser). This variant is present in population databases (rs772754957, gnomAD 0.007%). This variant has not been reported in the literature in individuals affected with CANT1-related conditions. ClinVar contains an entry for this variant (Variation ID: 1980412). Advanced modeling of protein sequence and biophysical properties (such as structural, functional, and spatial information, amino acid conservation, physicochemical variation, residue mobility, and thermodynamic stability) has been performed at Invitae for this missense variant, however the output from this modeling did not meet the statistical confidence thresholds required to predict the impact of this variant on CANT1 protein function. In summary, the available evidence is currently insufficient to determine the role of this variant in disease. Therefore, it has been classified as a Variant of Uncertain Significance.

Ambry Genetics
Classification: Uncertain significance for Inborn genetic diseases. Last evaluated: 2022-02-10. Review status: criteria provided, single submitter. Criteria: Ambry Variant Classification Scheme 2023. Collection method: clinical testing. Allele origin: germline.

Breakthrough Genomics
Classification: Uncertain significance. Review status: criteria provided, single submitter. Criteria: ACMG Guidelines, 2015. Collection method: not provided. Allele origin: germline. Inheritance: Autosomal recessive inheritance. Affected: yes.

NM_001159773.2(CANT1):c.820G>A (p.Gly274Ser)

Gene: CANT1 (calcium activated nucleotidase 1; minus strand). Cytogenetic location: 17q25.3.
Variant type: single nucleotide variant.
Coding change: c.820G>A on transcript NM_001159773.2 (MANE Select); coding-DNA position 820, G replaced by A.
Protein change: p.Gly274Ser; replaces glycine 274 with serine.
Molecular consequence: missense variant.
Genome position (GRCh38, 1-based): chr17:78,995,033, C>T on the plus strand (G>A on the coding strand, the complement: CANT1 is on the minus strand). VCF-style: chr17-78995033-C-T. GRCh37 (hg19) VCF-style: chr17-76991115-C-T.
Other names: c.820G>A, p.Gly274Ser (NM_001159772.2, NM_138793.4); short protein forms G274S.
Identifiers: ClinVar variation 1980412 (VCV001980412.4), dbSNP rs772754957, ClinGen allele CA8808603.